The following is an entry in ClinVar:

NM_004924.6(ACTN4):c.409G>A (p.Gly137Ser)

Gene: ACTN4 (actinin alpha 4; plus strand). Cytogenetic location: 19q13.2.
Variant type: single nucleotide variant.
Coding change: c.409G>A on transcript NM_004924.6 (MANE Select); coding-DNA position 409, G replaced by A.
Protein change: p.Gly137Ser; replaces glycine 137 with serine.
Molecular consequence: missense variant.
Genome position (GRCh38, 1-based): chr19:38,704,945, G>A. VCF-style: chr19-38704945-G-A. GRCh37 (hg19) VCF-style: chr19-39195585-G-A.
Other names: c.409G>A (NM_004924.4); c.409G>A, p.Gly137Ser (NM_001322033.2, NM_001411143.1); short protein forms G137S.
Identifiers: ClinVar variation 2962130 (VCV002962130.6), dbSNP rs375921941, ClinGen allele CA9417273.
Genomic context (GRCh38, chr19:38,704,945, plus strand): 5'-ACTCTGGTTTTAACGACCTTCTGCCCTCTGCCCCCTTCCCTGTGTGCAGAGATTGTGGAC[G>A]GCAACGCAAAGATGACCCTGGGAATGATCTGGACCATCATCCTTAGGTTCGCCATCCAGG-3'
Protein context (NP_004915.2, residues 127-147): VSIGAEEIVD[Gly137Ser]NAKMTLGMIW

ClinVar aggregate classification (germline): Conflicting classifications of pathogenicity. Review status: criteria provided, conflicting classifications (1 of 4 stars). 4 submissions from 4 submitters: Uncertain significance (3); Likely benign (1). Last evaluated 2026-05-10.

Conditions:
Inborn genetic diseases. Identifiers: MedGen C0950123, MeSH D030342.
Focal segmental glomerulosclerosis 1 (FSGS1). Identifiers: Orphanet 656, MedGen C4551527, MONDO:0011303, OMIM 603278.

Allele frequency attached by ClinVar (database versions not stated): gnomAD exomes 0.00001; ExAC 0.00002; gnomAD 0.00002; TOPMed 0.00002; ESP Exome Variant Server 0.00015.
gnomAD v4.1: 17 of 1,614,008 alleles (0.0011%); highest among the groups gnomAD compares: African/African-American, 0.0013%; no homozygotes.

Submissions (4):

Ambry Genetics
Classification: Likely benign for Inborn genetic diseases. Last evaluated: 2026-05-10. Review status: criteria provided, single submitter. Criteria: Ambry Variant Classification Scheme 2023. Collection method: clinical testing. Allele origin: germline.

Fulgent Genetics
Classification: Uncertain significance for Focal segmental glomerulosclerosis 1. Last evaluated: 2024-04-03. Review status: criteria provided, single submitter. Criteria: ACMG Guidelines, 2015. Collection method: clinical testing. Allele origin: germline.

Labcorp Genetics (formerly Invitae), Labcorp
Classification: Uncertain significance. Last evaluated: 2023-05-22. Review status: criteria provided, single submitter. Criteria: Invitae Variant Classification Sherloc (09022015). Collection method: clinical testing. Allele origin: germline.
Comment: In summary, the available evidence is currently insufficient to determine the role of this variant in disease. Therefore, it has been classified as a Variant of Uncertain Significance. Advanced modeling of protein sequence and biophysical properties (such as structural, functional, and spatial information, amino acid conservation, physicochemical variation, residue mobility, and thermodynamic stability) performed at Invitae indicates that this missense variant is not expected to disrupt ACTN4 protein function. This variant has not been reported in the literature in individuals affected with ACTN4-related conditions. This variant is present in population databases (rs375921941, gnomAD 0.004%). This sequence change replaces glycine, which is neutral and non-polar, with serine, which is neutral and polar, at codon 137 of the ACTN4 protein (p.Gly137Ser).

Blueprint Genetics
Classification: Uncertain significance. Last evaluated: 2021-03-17. Review status: criteria provided, single submitter. Criteria: ACMG Guidelines, 2015. Collection method: clinical testing. Allele origin: germline.